The following is an entry in ClinVar:

ClinVar aggregate classification (germline): Likely benign. Review status: criteria provided, multiple submitters, no conflicts (2 of 4 stars). 5 submissions from 5 submitters: Likely benign (4). 1 of the submissions does not count toward it. Last evaluated 2024-11-18.

Conditions:
Autosomal dominant spastic paraplegia type 9. Identifiers: MedGen C1832669, MONDO:0015091.
Cutis laxa, autosomal dominant 3 (ADCL3). Identifiers: Orphanet 90348, MedGen C4225268, MONDO:0014706, OMIM 616603.
de Barsy syndrome. Also called: Cutis laxa-corneal clouding-oligophrenia syndrome. Identifiers: Orphanet 2962, MedGen C0268354, MONDO:0017569.
ALDH18A1-related disorder. Also called: ALDH18A1-related disorders.

Allele frequency attached by ClinVar (database versions not stated): gnomAD 0.00002; gnomAD exomes 0.00002 and 0.00003; TOPMed 0.00002; ExAC 0.00005; ESP Exome Variant Server 0.00008.

Submissions (5):

Labcorp Genetics (formerly Invitae), Labcorp
Classification: Likely benign for Autosomal dominant spastic paraplegia type 9; de Barsy syndrome; Cutis laxa, autosomal dominant 3. Last evaluated: 2024-11-18. Review status: criteria provided, single submitter. Criteria: Invitae Variant Classification Sherloc (09022015). Collection method: clinical testing. Allele origin: germline.

CeGaT Center for Human Genetics Tuebingen
Classification: Likely benign. Last evaluated: 2023-12-01. Review status: criteria provided, single submitter. Criteria: CeGaT Center For Human Genetics Tuebingen Variant Classification Criteria Version 2. Collection method: clinical testing. Allele origin: germline. Affected: yes. Observed: 1 variant allele.
Comment: ALDH18A1: BP4, BP7

GeneDx
Classification: Likely benign. Last evaluated: 2017-08-18. Review status: criteria provided, single submitter. Criteria: GeneDx Variant Classification (06012015). Collection method: clinical testing. Allele origin: germline. Affected: yes.
Comment: This variant is considered likely benign or benign based on one or more of the following criteria: it is a conservative change, it occurs at a poorly conserved position in the protein, it is predicted to be benign by multiple in silico algorithms, and/or has population frequency not consistent with disease.

Breakthrough Genomics
Classification: Likely benign. Review status: criteria provided, single submitter. Criteria: ACMG Guidelines, 2015. Collection method: not provided. Allele origin: germline. Inheritance: Autosomal recessive inheritance. Affected: yes.

PreventionGenetics, part of Exact Sciences
Classification: Likely benign for ALDH18A1-related condition. Last evaluated: 2019-02-21. Review status: no assertion criteria provided. Collection method: clinical testing. Allele origin: germline. Not counted in ClinVar's aggregate classification.
Comment: This variant is classified as likely benign based on ACMG/AMP sequence variant interpretation guidelines (Richards et al. 2015 PMID: 25741868, with internal and published modifications).

NM_002860.4(ALDH18A1):c.2361C>T (p.Leu787=)

Gene: ALDH18A1 (aldehyde dehydrogenase 18 family member A1; minus strand). Cytogenetic location: 10q24.1.
Variant type: single nucleotide variant.
Coding change: c.2361C>T on transcript NM_002860.4 (MANE Select); coding-DNA position 2361, C replaced by T.
Protein change: p.Leu787=; no amino-acid change (leucine 787 retained).
Molecular consequence: synonymous variant.
Genome position (GRCh38, 1-based): chr10:95,606,789, G>A on the plus strand (C>T on the coding strand, the complement: ALDH18A1 is on the minus strand). VCF-style: chr10-95606789-G-A. GRCh37 (hg19) VCF-style: chr10-97366546-G-A.
Other names: c.2355C>T, p.Leu785= (NM_001017423.2, NM_001323415.2); c.2028C>T, p.Leu676= (NM_001323412.2, NM_001323416.2); c.2361C>T, p.Leu787= (NM_001323413.2, NM_001323414.2); c.2256C>T, p.Leu752= (NM_001323417.2); c.2022C>T, p.Leu674= (NM_001323418.2); c.1725C>T, p.Leu575= (NM_001323419.2).
Identifiers: ClinVar variation 511517 (VCV000511517.32), dbSNP rs377506019, ClinGen allele CA5620081.
Genomic context (GRCh38, chr10:95,606,789, plus strand): 5'-TTTTGGAAAATTCCCGGGTTTTCCTGGCTCTTTTCAGTTGGTGTTTCTCTGAGGAATAGG[G>A]AGGTTCTCATGAAGATATTTTAAACTTCCATGCTCTGAGAAATCTGAGACCACGTGGTCC-3'
Protein context (NP_002851.2, residues 777-795): HGSLKYLHEN[Leu787=]PIPQRNTN